The following is an entry in ClinVar:

ClinVar aggregate classification (germline): Uncertain significance (1 of 4 stars; one submission).

Conditions:
Inborn genetic diseases. Identifiers: MedGen C0950123, MeSH D030342.

Submission:

Ambry Genetics
Classification: Uncertain significance for Inborn genetic diseases. Last evaluated: 2026-03-12. Review status: criteria provided, single submitter. Criteria: Ambry Variant Classification Scheme 2023. Collection method: clinical testing. Allele origin: germline.
Comment: The p.I2026V variant (also known as c.6076A>G), located in coding exon 23 of the FANCM gene, results from an A to G substitution at nucleotide position 6076. The isoleucine at codon 2026 is replaced by valine, an amino acid with highly similar properties. This amino acid position is conserved. In addition, this alteration is predicted to be tolerated by in silico analysis. Based on the available evidence, the clinical significance of this variant remains unclear.

NM_020937.4(FANCM):c.6076A>G (p.Ile2026Val)

Gene: FANCM (FA complementation group M; plus strand). Cytogenetic location: 14q21.2.
Variant type: single nucleotide variant.
Coding change: c.6076A>G on transcript NM_020937.4 (MANE Select); coding-DNA position 6076, A replaced by G.
Protein change: p.Ile2026Val; replaces isoleucine 2026 with valine.
Molecular consequence: missense variant.
Genome position (GRCh38, 1-based): chr14:45,199,937, A>G. VCF-style: chr14-45199937-A-G. GRCh37 (hg19) VCF-style: chr14-45669140-A-G.
Other names: c.5998A>G, p.Ile2000Val (NM_001308133.2); short protein forms I2026V, I2000V.
Identifiers: ClinVar variation 4826026 (VCV004826026.1).